The following is an entry in ClinVar:

NM_005559.4(LAMA1):c.3580G>T (p.Val1194Phe)

Gene: LAMA1 (laminin subunit alpha 1; minus strand). Cytogenetic location: 18p11.31.
Variant type: single nucleotide variant.
Coding change: c.3580G>T on transcript NM_005559.4 (MANE Select); coding-DNA position 3580, G replaced by T.
Protein change: p.Val1194Phe; replaces valine 1194 with phenylalanine.
Molecular consequence: missense variant.
Genome position (GRCh38, 1-based): chr18:7,011,407, C>A on the plus strand (G>T on the coding strand, the complement: LAMA1 is on the minus strand). VCF-style: chr18-7011407-C-A. GRCh37 (hg19) VCF-style: chr18-7011406-C-A.
Other names: c.3580G>T (NM_005559.3); short protein forms V1194F.
Identifiers: ClinVar variation 1492310 (VCV001492310.10), dbSNP rs767031029, ClinGen allele CA8882227.

ClinVar aggregate classification (germline): Uncertain significance. Review status: criteria provided, multiple submitters, no conflicts (2 of 4 stars). 2 submissions from 2 submitters: Uncertain significance (2). Last evaluated 2025-06-22.

Conditions:
Inborn genetic diseases. Identifiers: MedGen C0950123, MeSH D030342.

Allele frequency attached by ClinVar (database versions not stated): gnomAD 0.00001 and 0.00002; TOPMed 0.00002; ExAC 0.00003; gnomAD exomes 0.00003.
gnomAD v4.1: 41 of 1,609,578 alleles (0.0025%); highest among the groups gnomAD compares: Middle Eastern, 0.016%; no homozygotes.

Submissions (2):

Labcorp Genetics (formerly Invitae), Labcorp
Classification: Uncertain significance. Last evaluated: 2025-06-22. Review status: criteria provided, single submitter. Criteria: Invitae Variant Classification Sherloc (09022015). Collection method: clinical testing. Allele origin: germline.
Comment: This sequence change replaces valine, which is neutral and non-polar, with phenylalanine, which is neutral and non-polar, at codon 1194 of the LAMA1 protein (p.Val1194Phe). This variant is present in population databases (rs767031029, gnomAD 0.007%). This variant has not been reported in the literature in individuals affected with LAMA1-related conditions. ClinVar contains an entry for this variant (Variation ID: 1492310). Invitae Evidence Modeling of protein sequence and biophysical properties (such as structural, functional, and spatial information, amino acid conservation, physicochemical variation, residue mobility, and thermodynamic stability) indicates that this missense variant is not expected to disrupt LAMA1 protein function with a negative predictive value of 80%. In summary, the available evidence is currently insufficient to determine the role of this variant in disease. Therefore, it has been classified as a Variant of Uncertain Significance.

Ambry Genetics
Classification: Uncertain significance for Inborn genetic diseases. Last evaluated: 2023-03-06. Review status: criteria provided, single submitter. Criteria: Ambry Variant Classification Scheme 2023. Collection method: clinical testing. Allele origin: germline.